The following is an entry in ClinVar:

NM_001080.3(ALDH5A1):c.22C>T (p.Arg8Trp)

Genes: ALDH5A1 (aldehyde dehydrogenase 5 family member A1; plus strand), GPLD1 (glycosylphosphatidylinositol specific phospholipase D1; minus strand), LOC129995978 (ATAC-STARR-seq lymphoblastoid silent region 16989; plus strand). Cytogenetic location: 6p22.3.
Variant type: single nucleotide variant.
Coding change: c.22C>T on transcript NM_001080.3 (MANE Select); coding-DNA position 22, C replaced by T.
Protein change: p.Arg8Trp; replaces arginine 8 with tryptophan.
Molecular consequence: missense variant.
Genome position (GRCh38, 1-based): chr6:24,495,018, C>T. VCF-style: chr6-24495018-C-T. GRCh37 (hg19) VCF-style: chr6-24495246-C-T.
Other names: c.22C>T, p.Arg8Trp (NM_001368954.1, NM_170740.1); short protein forms R8W.
Identifiers: ClinVar variation 1095033 (VCV001095033.11), dbSNP rs767601869, ClinGen allele CA3656555.
Genomic context (GRCh38, chr6:24,495,018, plus strand): 5'-CCCGCTTGCCTGTTTCCTGTCGCCGTCGTTGCCCGGGCCATGGCGACCTGCATTTGGCTG[C>T]GGAGCTGTGGGGCCCGGCGCCTCGGGTCGACGTTTCCAGGCTGCCGCCTCCGCCCCCGCG-3'
Protein context (NP_001071.1, residues 1-18): MATCIWL[Arg8Trp]SCGARRLGST

ClinVar aggregate classification (germline): Conflicting classifications of pathogenicity. Review status: criteria provided, conflicting classifications (1 of 4 stars). 2 submissions from 2 submitters: Uncertain significance (1); Likely benign (1). Last evaluated 2025-03-27.

Conditions:
Succinate-semialdehyde dehydrogenase deficiency (SSADHD). Also called: 4-HYDROXYBUTYRIC ACIDURIA; GABA METABOLIC DEFECT; Succinic Semialdehyde Dehydrogenase Deficiency; SSADH DEFICIENCY. Identifiers: Orphanet 22, MedGen C0268631, MONDO:0010083, OMIM 271980.

Allele frequency attached by ClinVar (database versions not stated): TOPMed 0.00003; gnomAD 0.00004; gnomAD exomes 0.00014; ExAC 0.00023.
gnomAD v4.1: 130 of 1,329,542 alleles (0.0098%); highest among the groups gnomAD compares: Non-Finnish European, 0.012%; no homozygotes.

Submissions (2):

Labcorp Genetics (formerly Invitae), Labcorp
Classification: Likely benign for Succinate-semialdehyde dehydrogenase deficiency. Last evaluated: 2025-03-27. Review status: criteria provided, single submitter. Criteria: Invitae Variant Classification Sherloc (09022015). Collection method: clinical testing. Allele origin: germline.

GeneDx
Classification: Uncertain significance. Last evaluated: 2024-05-17. Review status: criteria provided, single submitter. Criteria: GeneDx Variant Classification Process June 2021. Collection method: clinical testing. Allele origin: germline. Affected: yes.
Comment: In silico analysis indicates that this missense variant does not alter protein structure/function; Has not been previously published as pathogenic or benign to our knowledge